The following is an entry in ClinVar:

NM_207352.4(CYP4V2):c.173C>A (p.Pro58Gln)

Gene: CYP4V2 (cytochrome P450 family 4 subfamily V member 2; plus strand). Cytogenetic location: 4q35.1.
Variant type: single nucleotide variant.
Coding change: c.173C>A on transcript NM_207352.4 (MANE Select); coding-DNA position 173, C replaced by A.
Protein change: p.Pro58Gln; replaces proline 58 with glutamine.
Molecular consequence: missense variant.
Genome position (GRCh38, 1-based): chr4:186,191,996, C>A. VCF-style: chr4-186191996-C-A. GRCh37 (hg19) VCF-style: chr4-187113150-C-A.
Other names: short protein forms P58Q.
Identifiers: ClinVar variation 3672374 (VCV003672374.2).

ClinVar aggregate classification (germline): Uncertain significance (1 of 4 stars; one submission).

Submission:

Labcorp Genetics (formerly Invitae), Labcorp
Classification: Uncertain significance. Last evaluated: 2024-05-09. Review status: criteria provided, single submitter. Criteria: Invitae Variant Classification Sherloc (09022015). Collection method: clinical testing. Allele origin: germline.
Comment: This sequence change replaces proline, which is neutral and non-polar, with glutamine, which is neutral and polar, at codon 58 of the CYP4V2 protein (p.Pro58Gln). This variant is not present in population databases (gnomAD no frequency). This variant has not been reported in the literature in individuals affected with CYP4V2-related conditions. Advanced modeling of protein sequence and biophysical properties (such as structural, functional, and spatial information, amino acid conservation, physicochemical variation, residue mobility, and thermodynamic stability) has been performed at Invitae for this missense variant, however the output from this modeling did not meet the statistical confidence thresholds required to predict the impact of this variant on CYP4V2 protein function. In summary, the available evidence is currently insufficient to determine the role of this variant in disease. Therefore, it has been classified as a Variant of Uncertain Significance.